The following is an entry in ClinVar:

ClinVar aggregate classification (germline): Uncertain significance. Review status: criteria provided, single submitter (1 of 4 stars). 2 submissions from 2 submitters: Uncertain significance (1). 1 of the submissions does not count toward it. Last evaluated 2025-12-24.

Conditions:
Retinal dystrophy. Also called: Inherited retinal dystrophy. Identifiers: Orphanet 71862, MedGen C0854723, MeSH D058499, MONDO:0019118, HP:0000556.

gnomAD v4.1: 1 of 1,605,688 alleles (0.000062%); highest among the groups gnomAD compares: Non-Finnish European, 0.000085%; no homozygotes.

Submissions (2):

Labcorp Genetics (formerly Invitae), Labcorp
Classification: Uncertain significance. Last evaluated: 2025-12-24. Review status: criteria provided, single submitter. Criteria: Invitae Variant Classification Sherloc (09022015). Collection method: clinical testing. Allele origin: germline.
Comment: This sequence change affects codon 86 of the ADIPOR1 mRNA. It is a 'silent' change, meaning that it does not change the encoded amino acid sequence of the ADIPOR1 protein. This variant also falls at the last nucleotide of exon 3, which is part of the consensus splice site for this exon. The frequency data for this variant in the population databases is considered unreliable, as metrics indicate poor data quality at this position in the gnomAD database. This variant has not been reported in the literature in individuals affected with ADIPOR1-related conditions. ClinVar contains an entry for this variant (Variation ID: 3250290). Variants that disrupt the consensus splice site are a relatively common cause of aberrant splicing (PMID: 17576681, 9536098). Algorithms developed to predict the effect of sequence changes on RNA splicing suggest that this variant may disrupt the consensus splice site. In summary, the available evidence is currently insufficient to determine the role of this variant in disease. Therefore, it has been classified as a Variant of Uncertain Significance.

Institute of Human Genetics, Univ. Regensburg, Univ. Regensburg
Classification: Uncertain significance for Retinal dystrophy. Last evaluated: 2018-01-01. Review status: no assertion criteria provided. Criteria: ACMG Guidelines, 2015. Collection method: clinical testing. Allele origin: germline. Affected: yes. Not counted in ClinVar's aggregate classification.

Literature cited by the submitters: PubMed 17576681 (cited by Labcorp Genetics (formerly Invitae), Labcorp); PubMed 9536098 (cited by Labcorp Genetics (formerly Invitae), Labcorp).

NM_015999.6(ADIPOR1):c.258G>A (p.Lys86=)

Gene: ADIPOR1 (adiponectin receptor 1; minus strand). Cytogenetic location: 1q32.1.
Variant type: single nucleotide variant.
Coding change: c.258G>A on transcript NM_015999.6 (MANE Select); coding-DNA position 258, G replaced by A.
Protein change: p.Lys86=; no amino-acid change (lysine 86 retained).
Molecular consequence: synonymous variant.
Genome position (GRCh38, 1-based): chr1:202,948,304, C>T on the plus strand (G>A on the coding strand, the complement: ADIPOR1 is on the minus strand). VCF-style: chr1-202948304-C-T. GRCh37 (hg19) VCF-style: chr1-202917432-C-T.
Other names: c.258G>A, p.Lys86= (NM_001127687.1, NM_001290553.2, NM_001290557.1 and 1 more transcripts).
Identifiers: ClinVar variation 3250290 (VCV003250290.2).
Genomic context (GRCh38, chr1:202,948,304, plus strand): 5'-GGACATCCCAGACAGGCCTGCTGCCCTTCCCCTTCCAGGACAGAAGCTCATAGGCCATAC[C>T]TTGTACACAAACTCTTCCATCTTCTCCATGGCGTGGTGGGCTTGCAGGGGAAGTGTCAGT-3'
Protein context (NP_057083.2, residues 76-96): AMEKMEEFVY[Lys86=]VWEGRWRVIP